The following is an entry in ClinVar:

NM_002834.5(PTPN11):c.1171A>G (p.Ser391Gly)

Gene: PTPN11 (protein tyrosine phosphatase non-receptor type 11; plus strand). Cytogenetic location: 12q24.13.
Variant type: single nucleotide variant.
Coding change: c.1171A>G on transcript NM_002834.5 (MANE Select); coding-DNA position 1171, A replaced by G.
Protein change: p.Ser391Gly; replaces serine 391 with glycine.
Molecular consequence: missense variant.
Genome position (GRCh38, 1-based): chr12:112,482,152, A>G. VCF-style: chr12-112482152-A-G. GRCh37 (hg19) VCF-style: chr12-112919956-A-G.
Other names: c.1171A>G, p.Ser391Gly (NM_001330437.2, NM_080601.3); c.1168A>G, p.Ser390Gly (NM_001374625.1); short protein forms S390G, S391G.
Identifiers: ClinVar variation 1439119 (VCV001439119.8), dbSNP rs2135906878, ClinGen allele CA386775857.

ClinVar aggregate classification (germline): Uncertain significance (1 of 4 stars; one submission).

Conditions:
RASopathy. Also called: rasopathies; Noonan spectrum disorder. Identifiers: Orphanet 536391, MedGen C5555857, MONDO:0021060.

gnomAD v4.1: 1 of 1,613,436 alleles (0.000062%); highest among the groups gnomAD compares: Non-Finnish European, 0.000085%; no homozygotes.

Submission:

Labcorp Genetics (formerly Invitae), Labcorp
Classification: Uncertain significance for RASopathy. Last evaluated: 2021-03-26. Review status: criteria provided, single submitter. Criteria: Invitae Variant Classification Sherloc (09022015). Collection method: clinical testing. Allele origin: germline.
Comment: In summary, the available evidence is currently insufficient to determine the role of this variant in disease. Therefore, it has been classified as a Variant of Uncertain Significance. Advanced modeling of protein sequence and biophysical properties (such as structural, functional, and spatial information, amino acid conservation, physicochemical variation, residue mobility, and thermodynamic stability) performed at Invitae indicates that this missense variant is not expected to disrupt PTPN11 protein function. This variant has not been reported in the literature in individuals with PTPN11-related conditions. This variant is not present in population databases (ExAC no frequency). This sequence change replaces serine with glycine at codon 391 of the PTPN11 protein (p.Ser391Gly). The serine residue is moderately conserved and there is a small physicochemical difference between serine and glycine.